The following is an entry in ClinVar:

ClinVar aggregate classification (germline): Uncertain significance (1 of 4 stars; one submission).

Submission:

Labcorp Genetics (formerly Invitae), Labcorp
Classification: Uncertain significance. Last evaluated: 2025-07-16. Review status: criteria provided, single submitter. Criteria: Invitae Variant Classification Sherloc (09022015). Collection method: clinical testing. Allele origin: germline.
Comment: This sequence change replaces glutamine, which is neutral and polar, with glutamic acid, which is acidic and polar, at codon 286 of the NDUFAF7 protein (p.Gln286Glu). This variant is not present in population databases (gnomAD no frequency). This variant has not been reported in the literature in individuals affected with NDUFAF7-related conditions. An algorithm developed to predict the effect of missense changes on protein structure and function (PolyPhen-2) suggests that this variant is likely to be tolerated. In summary, the available evidence is currently insufficient to determine the role of this variant in disease. Therefore, it has been classified as a Variant of Uncertain Significance.

NM_144736.5(NDUFAF7):c.1150C>G (p.Gln384Glu)

Gene: NDUFAF7 (NADH:ubiquinone oxidoreductase complex assembly factor 7; plus strand). Cytogenetic location: 2p22.2.
Variant type: single nucleotide variant.
Coding change: c.1150C>G on transcript NM_144736.5 (MANE Select); coding-DNA position 1150, C replaced by G.
Protein change: p.Gln384Glu; replaces glutamine 384 with glutamic acid.
Molecular consequence: missense variant. On other transcripts: non-coding transcript variant (10), intron variant (2).
Genome position (GRCh38, 1-based): chr2:37,248,174, C>G. VCF-style: chr2-37248174-C-G. GRCh37 (hg19) VCF-style: chr2-37475317-C-G.
Other names: c.856C>G, p.Gln286Glu (NM_001083946.2); c.937C>G, p.Gln313Glu (NM_001350027.2); c.1111-84C>G (NM_001350024.2); c.1030-84C>G (NM_001350025.2); short protein forms Q313E, Q384E, Q286E.
Identifiers: ClinVar variation 4718732 (VCV004718732.1).